The following is an entry in ClinVar:

NM_001292063.2(OTOG):c.6711C>T (p.Cys2237=)

Gene: OTOG (otogelin; plus strand). Cytogenetic location: 11p15.1.
Variant type: single nucleotide variant.
Coding change: c.6711C>T on transcript NM_001292063.2 (MANE Select); coding-DNA position 6711, C replaced by T.
Protein change: p.Cys2237=; no amino-acid change (cysteine 2237 retained).
Molecular consequence: synonymous variant.
Genome position (GRCh38, 1-based): chr11:17,629,315, C>T. VCF-style: chr11-17629315-C-T. GRCh37 (hg19) VCF-style: chr11-17650862-C-T.
Other names: c.6747C>T, p.Cys2249= (NM_001277269.2).
Identifiers: ClinVar variation 1502153 (VCV001502153.8), dbSNP rs562749083, ClinGen allele CA218493742.

ClinVar aggregate classification (germline): Uncertain significance (1 of 4 stars; one submission).

Allele frequency attached by ClinVar (database versions not stated): gnomAD 0.00001 and 0.00003; TOPMed 0.00003; 1000 Genomes Project 30x 0.00016; 1000 Genomes Project 0.00020.

Submission:

Labcorp Genetics (formerly Invitae), Labcorp
Classification: Uncertain significance. Last evaluated: 2021-06-09. Review status: criteria provided, single submitter. Criteria: Invitae Variant Classification Sherloc (09022015). Collection method: clinical testing. Allele origin: germline.
Comment: This variant has not been reported in the literature in individuals with OTOG-related conditions. This sequence change affects codon 2249 of the OTOG mRNA. It is a 'silent' change, meaning that it does not change the encoded amino acid sequence of the OTOG protein. It affects a nucleotide within the consensus splice site of the intron. The frequency data for this variant in the population databases is considered unreliable, as metrics indicate insufficient coverage at this position in the ExAC database. Algorithms developed to predict the effect of sequence changes on RNA splicing suggest that this variant may disrupt the consensus splice site, but this prediction has not been confirmed by published transcriptional studies. In summary, the available evidence is currently insufficient to determine the role of this variant in disease. Therefore, it has been classified as a Variant of Uncertain Significance.